The following is an entry in ClinVar:

ClinVar aggregate classification (germline): Pathogenic. Review status: reviewed by expert panel (3 of 4 stars). 9 submissions from 9 submitters: Pathogenic (1). 8 of the submissions do not count toward it. Last evaluated 2017-03-17.

Conditions:
CFTR-related disorder (CFTR-RD). Also called: CFTR-related condition; CFTR-related disorders. Identifiers: MedGen C5924204, MONDO:7770004.
Hereditary pancreatitis (PCTT). Also called: Hereditary chronic pancreatitis; PRSS1-Related Hereditary Pancreatitis. Identifiers: Orphanet 676, MedGen C0238339, MONDO:0008185, OMIM 167800.
Cystic fibrosis (CF). Also called: MUCOVISCIDOSIS. Identifiers: Orphanet 586, MedGen C0010674, MONDO:0009061, OMIM 219700. Disease mechanism: loss of function.
Congenital bilateral aplasia of vas deferens from CFTR mutation (CBAVD). Identifiers: Orphanet 48, MedGen C0403814, MONDO:0010178, OMIM 277180. Disease mechanism: loss of function.
Bronchiectasis with or without elevated sweat chloride 1 (BESC1). Also called: Cystic Fibrosis-Like Syndrome. Identifiers: Orphanet 60033, MedGen C2749757, MONDO:0008887, OMIM 211400.

Allele frequency attached by ClinVar (database versions not stated): TOPMed below 0.00001.

Submissions (9):

CFTR2
Classification: Pathogenic for Cystic fibrosis. Last evaluated: 2017-03-17. Review status: reviewed by expert panel. Criteria: Sosnay PR et al. (Nat Genet 2013). Collection method: research. Allele origin: germline. Affected: yes. Study: CFTR2.

Natera, Inc.
Classification: Pathogenic for CFTR-related disorders. Last evaluated: 2025-10-09. Review status: criteria provided, single submitter. Criteria: Natera Variant Classification Schema (03/2026). Collection method: clinical testing. Allele origin: germline. Not counted in ClinVar's aggregate classification.
Comment: The c.2737_2738insG variant in CFTR is a frameshift variant predicted to shift the reading frame and introduce a stop codon. This variant is expected to result in nonsense mediated decay, truncation, or a dysfunctional protein product. This variant is rare in the general population with a frequency below the threshold expected for the associated phenotype(s). This variant has been observed in one or more individuals affected with the associated recessive disease, as either homozygous or compound heterozygous with a second variant (PMID: 1373935). Given the available evidence, this variant is classified as Pathogenic.

Ambry Genetics
Classification: Pathogenic for Cystic fibrosis. Last evaluated: 2022-06-13. Review status: criteria provided, single submitter. Criteria: Ambry Variant Classification Scheme 2023. Collection method: clinical testing. Allele origin: germline. Not counted in ClinVar's aggregate classification.
Comment: The c.2737_2738insG variant, located in coding exon 17 of the CFTR gene, results from an insertion of one nucleotide at position 2737, causing a translational frameshift with a predicted alternate stop codon (p.Y913*). This alteration has been detected as homozygous or compound heterozygous with another CFTR alteration in individuals with cystic fibrosis or CFTR-related disorders (Nunes V et al. Am J Hum Genet, 1992 May;50:1140-2; Steiner B et al. Hum Mutat, 2011 Aug;32:912-20). This variant is considered to be rare based on population cohorts in the Genome Aggregation Database (gnomAD). In addition to the clinical data presented in the literature, this alteration is expected to result in loss of function by premature protein truncation or nonsense-mediated mRNA decay. As such, this alteration is interpreted as a disease-causing mutation.

Fulgent Genetics
Classification: Pathogenic for Hereditary pancreatitis; Bronchiectasis with or without elevated sweat chloride 1; Cystic fibrosis; Congenital bilateral aplasia of vas deferens from CFTR mutation. Last evaluated: 2022-01-15. Review status: criteria provided, single submitter. Criteria: ACMG Guidelines, 2015. Collection method: clinical testing. Allele origin: unknown. Not counted in ClinVar's aggregate classification.

Labcorp Genetics (formerly Invitae), Labcorp
Classification: Pathogenic for Cystic fibrosis. Last evaluated: 2020-12-13. Review status: criteria provided, single submitter. Criteria: Invitae Variant Classification Sherloc (09022015). Collection method: clinical testing. Allele origin: germline. Not counted in ClinVar's aggregate classification.
Comment: This variant is not present in population databases (ExAC no frequency). This variant has been observed in individual(s) with cystic fibrosis (PMID: 1373935). This variant is also known as 2869insG. ClinVar contains an entry for this variant (Variation ID: 7149). For these reasons, this variant has been classified as Pathogenic. This sequence change creates a premature translational stop signal (p.Tyr913*) in the CFTR gene. It is expected to result in an absent or disrupted protein product. Loss-of-function variants in CFTR are known to be pathogenic (PMID: 1695717, 7691345, 9725922).

Myriad Genetics, Inc.
Classification: Pathogenic for Cystic fibrosis. Last evaluated: 2019-11-12. Review status: criteria provided, single submitter. Criteria: Myriad Women's Health Autosomal Recessive and X-Linked Classification Criteria (2019). Collection method: clinical testing. Allele origin: unknown. Not counted in ClinVar's aggregate classification.
Comment: NM_000492.3(CFTR):c.2737_2738insG(Y913*, aka 2869insG) is classified as pathogenic in the context of cystic fibrosis. Sources cited for classification include the following: PMID 1347644, 19845690, 1373935, 16963320 and 17331079. Classification of NM_000492.3(CFTR):c.2737_2738insG(Y913*, aka 2869insG) is based on the following criteria: The variant causes a premature termination codon that is expected to be targeted by nonsense-mediated mRNA decay and is reported in individuals with the relevant phenotype. Please note: this variant was assessed in the context of healthy population screening.â€šÃ„Ã¶âˆšÃ‘âˆšÂ£

Mendelics
Classification: Pathogenic for Cystic fibrosis. Last evaluated: 2018-11-05. Review status: criteria provided, single submitter. Criteria: Mendelics Assertion Criteria 2017. Collection method: clinical testing. Allele origin: unknown. Affected: yes. Not counted in ClinVar's aggregate classification.

CFTR-France
Classification: Pathogenic for cystic fibrosis. Last evaluated: 2018-01-29. Review status: criteria provided, single submitter. Criteria: Claustres M et al. (Hum Mutat 2017). Collection method: curation. Allele origin: germline. Affected: yes. Not counted in ClinVar's aggregate classification.

OMIM
Classification: Pathogenic for CYSTIC FIBROSIS. Last evaluated: 1992-05-01. Review status: no assertion criteria provided. Collection method: literature only. Allele origin: germline. Not counted in ClinVar's aggregate classification.

Literature cited by the submitters: PubMed 1373935 (cited by 5 submitters); PubMed 21520337 (cited by Ambry Genetics); PubMed 1695717 (cited by Labcorp Genetics (formerly Invitae), Labcorp); PubMed 7691345 (cited by Labcorp Genetics (formerly Invitae), Labcorp); PubMed 9725922 (cited by Labcorp Genetics (formerly Invitae), Labcorp); PubMed 1347644 (cited by Myriad Genetics, Inc.); PubMed 19845690 (cited by Myriad Genetics, Inc.); PubMed 16963320 (cited by Myriad Genetics, Inc.); PubMed 17331079 (cited by Myriad Genetics, Inc.).

NM_000492.4(CFTR):c.2737_2738insG (p.Tyr913Ter)

Gene: CFTR (CF transmembrane conductance regulator; plus strand). Cytogenetic location: 7q31.2.
Variant type: Insertion.
Coding change: c.2737_2738insG on transcript NM_000492.4 (MANE Select); coding-DNA positions 2737 to 2738, G inserted.
Protein change: p.Tyr913Ter; replaces tyrosine 913 with a stop codon.
Molecular consequence: nonsense.
Genome position: GRCh38 VCF-style: chr7-117603611-T-TG. GRCh37 (hg19) VCF-style: chr7-117243665-T-TG.
Other names: 2869insG; short protein forms Y913*.
Identifiers: ClinVar variation 7149 (VCV000007149.19), dbSNP rs121908788, ClinGen allele CA325544.